The following is an entry in ClinVar:

ClinVar aggregate classification (germline): Uncertain significance (0 of 4 stars; one submission).

Allele frequency attached by ClinVar (database versions not stated): gnomAD exomes below 0.00001.
gnomAD v4.1: 5 of 1,613,992 alleles (0.00031%); highest among the groups gnomAD compares: East Asian, 0.0022%; no homozygotes.

Submission:

Department of Pathology and Laboratory Medicine, Sinai Health System
Classification: Uncertain significance. Review status: no assertion criteria provided. Collection method: clinical testing. Allele origin: unknown. Affected: yes. Study: The Canadian Open Genetics Repository (COGR).
Comment: The ERCC5 p.Asp1006Gly variant was not identified in the literature nor was it identified in dbSNP, ClinVar, Cosmic, LOVD 3.0 or in the following control databases: the 1000 Genomes Project, the NHLBI GO Exome Sequencing Project, the Exome Aggregation Consortium (August 8th 2016), or the Genome Aggregation Database (Feb 27, 2017). The p.Asp1006 residue is conserved across mammals and other organisms, and four out of five computational analyses (PolyPhen-2, SIFT, BLOSUM, MutationTaster) suggest that the variant may impact the protein; however, this information is not predictive enough to assume pathogenicity. The variant occurs outside of the splicing consensus sequence and 3 of 4 in silico or computational prediction software programs (SpliceSiteFinder, NNSPLICE, GeneSplicer) do not predict a difference in splicing. In summary, based on the above information the clinical significance of this variant cannot be determined with certainty at this time. This variant is classified as a variant of uncertain significance.

NM_001204425.2(BIVM-ERCC5):c.4379A>G (p.Asp1460Gly)

Genes: BIVM-ERCC5 (BIVM-ERCC5 readthrough; plus strand), ERCC5 (ERCC excision repair 5, endonuclease; plus strand). Cytogenetic location: 13q33.1.
Variant type: single nucleotide variant.
Coding change: c.4379A>G on transcript NM_001204425.2; coding-DNA position 4379, A replaced by G.
Protein change: p.Asp1460Gly; replaces aspartic acid 1460 with glycine.
Molecular consequence: missense variant.
Genome position (GRCh38, 1-based): chr13:102,875,359, A>G. VCF-style: chr13-102875359-A-G. GRCh37 (hg19) VCF-style: chr13-103527709-A-G.
Other names: c.3017A>G, p.Asp1006Gly (NM_000123.4); short protein forms D1006G, D1460G.
Identifiers: ClinVar variation 1049634 (VCV001049634.1), dbSNP rs2140542984, ClinGen allele CA388674435.